The following is an entry in ClinVar:

NM_001267550.2(TTN):c.7523A>G (p.His2508Arg)

Gene: TTN (titin; minus strand). Cytogenetic location: 2q31.2.
Variant type: single nucleotide variant.
Coding change: c.7523A>G on transcript NM_001267550.2 (MANE Select); coding-DNA position 7523, A replaced by G.
Protein change: p.His2508Arg; replaces histidine 2508 with arginine.
Molecular consequence: missense variant.
Genome position (GRCh38, 1-based): chr2:178,773,533, T>C on the plus strand (A>G on the coding strand, the complement: TTN is on the minus strand). VCF-style: chr2-178773533-T-C. GRCh37 (hg19) VCF-style: chr2-179638260-T-C.
Other names: p.H2508R:CAT>CGT; c.7523A>G, p.His2508Arg (NM_001256850.1, NM_133378.4, NM_133379.5); c.7385A>G, p.His2462Arg (NM_003319.4, NM_133432.3, NM_133437.4); short protein forms H2508R, H2462R.
Identifiers: ClinVar variation 196801 (VCV000196801.57), dbSNP rs146970027, ClinGen allele CA302955.

ClinVar aggregate classification (germline): Conflicting classifications of pathogenicity. Review status: criteria provided, conflicting classifications (1 of 4 stars). 23 submissions from 19 submitters: Uncertain significance (7); Benign (4); Likely benign (8). 4 of the submissions do not count toward it. Last evaluated 2026-01-26.

Conditions:
TTN-related disorder. Also called: TTN-related condition; TTN-related disease; TTN-related disorders.
Cardiovascular phenotype. Identifiers: MedGen CN230736.
Dilated cardiomyopathy 1G (CMD1G). Identifiers: Orphanet 154, MedGen C1858763, MONDO:0011400, OMIM 604145.
Autosomal recessive limb-girdle muscular dystrophy type 2J (LGMDR10). Also called: Limb-girdle muscular dystrophy, type 2J; MUSCULAR DYSTROPHY, LIMB-GIRDLE, AUTOSOMAL RECESSIVE 10. Identifiers: Orphanet 140922, MedGen C1837342, MONDO:0012127, OMIM 608807.
Cardiomyopathy (CMYO). Also called: Cardiomyopathies. Identifiers: Orphanet 167848, MedGen C0878544, MONDO:0004994, HP:0001638. Inheritance: Various modes of inheritance.
Hypertrophic cardiomyopathy 9. Also called: Familial hypertrophic cardiomyopathy 9. Identifiers: MedGen C1861065, MONDO:0013412, OMIM 613765.
Early-onset myopathy with fatal cardiomyopathy (CMYO5). Also called: Salih Myopathy; CONGENITAL MYOPATHY 5 WITH CARDIOMYOPATHY. Identifiers: Orphanet 289377, MedGen C2673677, MONDO:0012714, OMIM 611705. Disease mechanism: loss of function.
Myopathy, myofibrillar, 9, with early respiratory failure (MFM9). Also called: Myopathy, distal, with early respiratory failure, autosomal dominant; MYOPATHY, PROXIMAL, WITH EARLY RESPIRATORY MUSCLE INVOLVEMENT; Hereditary myopathy with early respiratory failure; EDSTROM MYOPATHY. Identifiers: Orphanet 178464, Orphanet 34521, MedGen C1863599, MONDO:0011362, OMIM 603689.
Tibial muscular dystrophy (TMD). Also called: Tibial muscular dystrophy, tardive; Udd Distal Myopathy – Tibial Muscular Dystrophy; UDD MYOPATHY. Identifiers: Orphanet 609, MedGen C1838244, MONDO:0010870, OMIM 600334.

Allele frequency attached by ClinVar (database versions not stated): TOPMed 0.00026; gnomAD 0.00038 and 0.00041; gnomAD exomes 0.00051 and 0.00066; ExAC 0.00054; ESP Exome Variant Server 0.00085.
gnomAD v4.1: 1,011 of 1,613,820 alleles (0.063%); highest among the groups gnomAD compares: Non-Finnish European, 0.071%; 1 homozygote.

Submissions (23):

Labcorp Genetics (formerly Invitae), Labcorp
Classification: Likely benign for Dilated cardiomyopathy 1G; Autosomal recessive limb-girdle muscular dystrophy type 2J. Last evaluated: 2026-01-26. Review status: criteria provided, single submitter. Criteria: Invitae Variant Classification Sherloc (09022015). Collection method: clinical testing. Allele origin: germline.

Molecular Diagnostic Laboratory for Inherited Cardiovascular Disease, Montreal Heart Institute
Classification: Likely benign. Last evaluated: 2025-04-09. Review status: criteria provided, single submitter. Criteria: ACMG Guidelines, 2015. Collection method: clinical testing. Allele origin: germline. Affected: no.

PreventionGenetics, part of Exact Sciences
Classification: Likely benign for TTN-related condition. Last evaluated: 2025-03-11. Review status: criteria provided, single submitter. Criteria: ACMG Guidelines, 2015. Collection method: clinical testing. Allele origin: germline.
Comment: This variant is classified as likely benign based on ACMG/AMP sequence variant interpretation guidelines (Richards et al. 2015 PMID: 25741868, with internal and published modifications).

Mayo Clinic Laboratories, Mayo Clinic
Classification: Likely benign. Last evaluated: 2025-03-04. Review status: criteria provided, single submitter. Criteria: ACMG Guidelines, 2015. Collection method: clinical testing. Allele origin: germline. Observed: 2 variant alleles.
Comment: BS1, BP4_moderate

Blueprint Genetics
Classification: Likely benign. Last evaluated: 2024-10-04. Review status: criteria provided, single submitter. Criteria: ACMG Guidelines, 2015. Collection method: clinical testing. Allele origin: germline.

Women's Health and Genetics/Laboratory Corporation of America, LabCorp
Classification: Likely benign. Last evaluated: 2024-09-23. Review status: criteria provided, single submitter. Criteria: LabCorp Variant Classification Summary - May 2015. Collection method: clinical testing. Allele origin: germline.

Athena Diagnostics
Classification: Benign. Last evaluated: 2024-03-15. Review status: criteria provided, single submitter. Criteria: Athena Diagnostics Criteria. Collection method: clinical testing. Allele origin: unknown.

Revvity Omics, Revvity
Classification: Likely benign. Last evaluated: 2023-10-18. Review status: criteria provided, single submitter. Criteria: ACMG Guidelines, 2015. Collection method: clinical testing. Allele origin: germline.

New York Genome Center
Classification: Uncertain significance for Hypertrophic cardiomyopathy 9; Dilated cardiomyopathy 1G. Last evaluated: 2022-01-12. Review status: criteria provided, single submitter. Criteria: NYGC Assertion Criteria 2020. Collection method: clinical testing. Allele origin: germline. Observed: 1 heterozygote.

CHEO Genetics Diagnostic Laboratory, Children's Hospital of Eastern Ontario
Classification: Benign for Cardiomyopathy. Last evaluated: 2021-08-16. Review status: criteria provided, single submitter. Criteria: ACMG Guidelines, 2015. Collection method: clinical testing. Allele origin: germline. Study: Canadian Open Genetics Repository.

Ambry Genetics
Classification: Likely benign for Cardiovascular phenotype. Last evaluated: 2019-09-04. Review status: criteria provided, single submitter. Criteria: Ambry Variant Classification Scheme 2023. Collection method: clinical testing. Allele origin: germline.

Baylor Genetics
Classification: Uncertain significance for Myopathy, myofibrillar, 9, with early respiratory failure. Last evaluated: 2018-07-09. Review status: criteria provided, single submitter. Criteria: ACMG Guidelines, 2015. Collection method: clinical testing. Allele origin: maternal. Affected: yes.
Comment: This variant was determined to be of uncertain significance according to ACMG Guidelines, 2015 [PMID:25741868].

Illumina Laboratory Services, Illumina
Classification: Uncertain significance for Dilated cardiomyopathy 1G. Last evaluated: 2018-01-13. Review status: criteria provided, single submitter. Criteria: ICSL Variant Classification Criteria 13 December 2019. Collection method: clinical testing. Allele origin: germline.

Illumina Laboratory Services, Illumina
Classification: Uncertain significance for Early-onset myopathy with fatal cardiomyopathy. Last evaluated: 2018-01-13. Review status: criteria provided, single submitter. Criteria: ICSL Variant Classification Criteria 13 December 2019. Collection method: clinical testing. Allele origin: germline.

Illumina Laboratory Services, Illumina
Classification: Benign for Tibial muscular dystrophy. Last evaluated: 2018-01-13. Review status: criteria provided, single submitter. Criteria: ICSL Variant Classification Criteria 13 December 2019. Collection method: clinical testing. Allele origin: germline.
Comment: This variant was observed in the ICSL laboratory as part of a predisposition screen in an ostensibly healthy population. It had not been previously curated by ICSL or reported in the Human Gene Mutation Database (HGMD: prior to June 1st, 2018), and was therefore a candidate for classification through an automated scoring system. Utilizing variant allele frequency, disease prevalence and penetrance estimates, and inheritance mode, an automated score was calculated to assess if this variant is too frequent to cause the disease. Based on the score and internal cut-off values, a variant classified as benign is not then subjected to further curation. The score for this variant resulted in a classification of benign for this disease.

Illumina Laboratory Services, Illumina
Classification: Benign for Myopathy, myofibrillar, 9, with early respiratory failure. Last evaluated: 2018-01-13. Review status: criteria provided, single submitter. Criteria: ICSL Variant Classification Criteria 13 December 2019. Collection method: clinical testing. Allele origin: germline.
Comment: the same text as in the submission from Illumina Laboratory Services, Illumina above.

Illumina Laboratory Services, Illumina
Classification: Uncertain significance for Autosomal recessive limb-girdle muscular dystrophy type 2J. Last evaluated: 2018-01-13. Review status: criteria provided, single submitter. Criteria: ICSL Variant Classification Criteria 13 December 2019. Collection method: clinical testing. Allele origin: germline.

Eurofins Ntd Llc (ga)
Classification: Uncertain significance. Last evaluated: 2017-06-29. Review status: criteria provided, single submitter. Criteria: EGL Classification Definitions 2015. Collection method: clinical testing. Allele origin: germline. Observed: 5 variant alleles, 5 heterozygotes.

Laboratory for Molecular Medicine, Mass General Brigham Personalized Medicine
Classification: Uncertain significance. Last evaluated: 2015-04-03. Review status: criteria provided, single submitter. Criteria: LMM Criteria. Collection method: clinical testing. Allele origin: germline. Observed: 1 variant allele.
Comment: Variant classified as Uncertain Significance - Favor Benign. The p.His2508Arg va riant in TTN has not been previously reported in individuals with cardiomyopathy , but has been identified in 0.2% (11/6610) of Finnish chromosomes by the Exome Aggregation Consortium (ExAC; dbSNP rs146970027) . Computational prediction tools and conservation analyses suggest the p.His2508 Arg variant may not impact the protein, though this information is not predictiv e enough to rule out pathogenicity. In summary, while the clinical significance of the p.His2508Arg variant is uncertain, its frequency suggests that it is more likely to be benign.

GeneDx
No classification provided. Last evaluated: 2014-01-13. Review status: no classification provided. Criteria: GeneDx Variant Classification (06012015). Collection method: clinical testing. Allele origin: germline. Affected: yes. Not counted in ClinVar's aggregate classification.
Comment: Missense variants in the TTN gene are considered 'unclassified' if they are not previously reported in the literature and do not have >1% frequency in the population to be considered a polymorphism. Research indicates that truncating mutations in the TTN gene are expected to account for approximately 25% of familial and 18% of sporadic idiopathic DCM; however, truncating variants in the TTN gene have been reported in approximately 3% of reported control alleles. There has been little investigation into non-truncating variants. (Herman D et al. Truncations of titin causing dilated cardiomyopathy. N Eng J Med 366:619-628, 2012) The variant is found in DCM,CARDIOMYOPATHY panel(s).

Clinical Genetics DNA and cytogenetics Diagnostics Lab, Erasmus MC, Erasmus Medical Center
Classification: Likely benign. Review status: no assertion criteria provided. Collection method: clinical testing. Allele origin: germline. Affected: yes. Study: VKGL Data-share Consensus. Not counted in ClinVar's aggregate classification.

Clinical Genetics, Academic Medical Center
Classification: Likely benign. Review status: no assertion criteria provided. Collection method: clinical testing. Allele origin: germline. Affected: yes. Study: VKGL Data-share Consensus. Not counted in ClinVar's aggregate classification.

Joint Genome Diagnostic Labs from Nijmegen and Maastricht, Radboudumc and MUMC+
Classification: Likely benign. Review status: no assertion criteria provided. Collection method: clinical testing. Allele origin: germline. Affected: yes. Study: VKGL Data-share Consensus. Not counted in ClinVar's aggregate classification.